The following is an entry in ClinVar:

NM_178140.4(PDZD2):c.3702C>T (p.Asp1234=)

Gene: PDZD2 (PDZ domain containing 2; plus strand). Cytogenetic location: 5p13.3.
Variant type: single nucleotide variant.
Coding change: c.3702C>T on transcript NM_178140.4 (MANE Select); coding-DNA position 3702, C replaced by T.
Protein change: p.Asp1234=; no amino-acid change (aspartic acid 1234 retained).
Molecular consequence: synonymous variant.
Genome position (GRCh38, 1-based): chr5:32,087,150, C>T. VCF-style: chr5-32087150-C-T. GRCh37 (hg19) VCF-style: chr5-32087256-C-T.
Identifiers: ClinVar variation 3051576 (VCV003051576.2), dbSNP rs143118363, ClinGen allele CA3219564.

ClinVar aggregate classification (germline): Likely benign (0 of 4 stars; one submission).

Conditions:
PDZD2-related disorder. Also called: PDZD2-related condition.

Allele frequency attached by ClinVar (database versions not stated): gnomAD 0.00064; TOPMed 0.00067; ESP Exome Variant Server 0.00069; ExAC 0.00093; gnomAD exomes 0.00128.
gnomAD v4.1: 1,923 of 1,610,692 alleles (0.12%); highest among the groups gnomAD compares: Non-Finnish European, 0.15%; 2 homozygotes.

Submission:

PreventionGenetics, part of Exact Sciences
Classification: Likely benign for PDZD2-related condition. Last evaluated: 2019-04-02. Review status: no assertion criteria provided. Collection method: clinical testing. Allele origin: germline.
Comment: This variant is classified as likely benign based on ACMG/AMP sequence variant interpretation guidelines (Richards et al. 2015 PMID: 25741868, with internal and published modifications).